The following is an entry in ClinVar:

Conditions:
Breast-ovarian cancer, familial, susceptibility to, 1 (BROVCA1). Also called: BRCA1 Hereditary Breast and Ovarian Cancer; OVARIAN CANCER, SUSCEPTIBILITY TO. Identifiers: Orphanet 145, MedGen C2676676, MONDO:0011450, OMIM 604370. Disease mechanism: loss of function.

Submission:

Brotman Baty Institute, University of Washington
No classification provided (evidence only). Condition: Breast-ovarian cancer, familial 1. Review status: no classification provided. Collection method: in vitro. Allele origin: not applicable. Functional consequence: functionally_normal.
ClinVar note: "not provided" was previously submitted as the classification for the variant. However, the classification appeared to be based only on an observation of functional data so it was converted to no classification on 2025-07-30.

NM_007294.4(BRCA1):c.50C>A (p.Ala17Asp)

Gene: BRCA1 (BRCA1 DNA repair associated; minus strand). Cytogenetic location: 17q21.31.
Variant type: single nucleotide variant.
Coding change: c.50C>A on transcript NM_007294.4 (MANE Select); coding-DNA position 50, C replaced by A.
Protein change: p.Ala17Asp; replaces alanine 17 with aspartic acid.
Molecular consequence: missense variant. On other transcripts: 5 prime UTR variant (1), non-coding transcript variant (1).
Genome position (GRCh38, 1-based): chr17:43,124,047, G>T on the plus strand (C>A on the coding strand, the complement: BRCA1 is on the minus strand). VCF-style: chr17-43124047-G-T. GRCh37 (hg19) VCF-style: chr17-41276064-G-T.
Other names: c.-255C>A (NM_001408492.1, NM_001407889.1); c.-139C>A (NM_001408493.1, NM_001408502.1, NM_001408506.1 and 46 more transcripts); c.50C>A, p.Ala17Asp (NM_001408494.1, NM_001408495.1, NM_007298.4 and 193 more transcripts); c.-38C>A (NM_001408496.1, NM_001408498.1, NM_007297.4 and 23 more transcripts); c.-215C>A (NM_001408497.1, NM_001407741.1, NM_001407934.1); c.-211C>A (NM_001408499.1, NM_001408500.1, NM_001408503.1 and 22 more transcripts); c.-208C>A (NM_001408501.1, NM_001407694.1, NM_001407724.1 and 11 more transcripts); c.-258C>A (NM_001408513.1, NM_001407917.1, NM_001407954.1); and 8 more; short protein forms A17D.
Identifiers: ClinVar variation 869096 (VCV000869096.3), dbSNP rs1412871417, ClinGen allele CA10602058.